The following is an entry in ClinVar:

NM_001220.5(CAMK2B):c.638C>T (p.Pro213Leu)

Gene: CAMK2B (calcium/calmodulin dependent protein kinase II beta; minus strand). Cytogenetic location: 7p13.
Variant type: single nucleotide variant.
Coding change: c.638C>T on transcript NM_001220.5 (MANE Select); coding-DNA position 638, C replaced by T.
Protein change: p.Pro213Leu; replaces proline 213 with leucine.
Molecular consequence: missense variant.
Genome position (GRCh38, 1-based): chr7:44,242,618, G>A on the plus strand (C>T on the coding strand, the complement: CAMK2B is on the minus strand). VCF-style: chr7-44242618-G-A. GRCh37 (hg19) VCF-style: chr7-44282217-G-A.
Other names: c.638C>T, p.Pro213Leu (NM_001293170.2, NM_172078.3, NM_172079.3 and 5 more transcripts); short protein forms P213L.
Identifiers: ClinVar variation 560179 (VCV000560179.4), dbSNP rs1554387293, ClinGen allele CA367365085.

ClinVar aggregate classification (germline): Pathogenic. Review status: criteria provided, single submitter (1 of 4 stars). 2 submissions from 2 submitters: Pathogenic (1). 1 of the submissions does not count toward it. Last evaluated 2022-04-26.

Conditions:
Intellectual developmental disorder, autosomal dominant 54. Also called: MENTAL RETARDATION, AUTOSOMAL DOMINANT 54; Intellectual disability, autosomal dominant 54. Identifiers: MedGen C4540484, MONDO:0030920, OMIM 617799.

Submissions (2):

GeneDx
Classification: Pathogenic. Last evaluated: 2022-04-26. Review status: criteria provided, single submitter. Criteria: GeneDx Variant Classification Process June 2021. Collection method: clinical testing. Allele origin: germline. Affected: yes.
Comment: Published functional studies demonstrate increased phosphorylation, and structural analysis suggested increased free energy change for the P213L variant (Akita et al., 2018); Not observed in large population cohorts (gnomAD); In silico analysis, which includes protein predictors and evolutionary conservation, supports a deleterious effect; This variant is associated with the following publications: (PMID: 29560374)

OMIM
Classification: Pathogenic for INTELLECTUAL DEVELOPMENTAL DISORDER, AUTOSOMAL DOMINANT 54. Last evaluated: 2022-04-28. Review status: no assertion criteria provided. Collection method: literature only. Allele origin: germline. Not counted in ClinVar's aggregate classification.

Literature cited by the submitters: PubMed 29560374 (cited by OMIM).